The following is an entry in ClinVar:

NM_001353921.2(ARHGEF9):c.443G>A (p.Ser148Asn)

Gene: ARHGEF9 (Cdc42 guanine nucleotide exchange factor 9; minus strand). Cytogenetic location: Xq11.1.
Variant type: single nucleotide variant.
Coding change: c.443G>A on transcript NM_001353921.2 (MANE Select); coding-DNA position 443, G replaced by A.
Protein change: p.Ser148Asn; replaces serine 148 with asparagine.
Molecular consequence: missense variant.
Genome position (GRCh38, 1-based): chrX:63,697,264, C>T on the plus strand (G>A on the coding strand, the complement: ARHGEF9 is on the minus strand). VCF-style: chrX-63697264-C-T. GRCh37 (hg19) VCF-style: chrX-62917144-C-T.
Other names: c.263G>A, p.Ser88Asn (NM_001173479.2); c.116G>A, p.Ser39Asn (NM_001173480.2, NM_001369042.1); c.359G>A, p.Ser120Asn (NM_001330495.2, NM_001353927.2, NM_001369043.1 and 8 more transcripts); c.443G>A, p.Ser148Asn (NM_001353922.2); c.461G>A, p.Ser154Asn (NM_001353923.1); c.242G>A, p.Ser81Asn (NM_001353924.2, NM_001353926.2, NM_001369039.1 and 1 more transcripts); c.422G>A, p.Ser141Asn (NM_001353928.2, NM_001369030.1, NM_001369031.1 and 2 more transcripts); c.8G>A, p.Ser3Asn (NM_001369045.1); short protein forms S141N, S120N, S148N, S39N, S88N, S154N, S3N, S81N.
Identifiers: ClinVar variation 2014815 (VCV002014815.5), dbSNP rs1464533929, ClinGen allele CA413407147.

ClinVar aggregate classification (germline): Conflicting classifications of pathogenicity. Review status: criteria provided, conflicting classifications (1 of 4 stars). 2 submissions from 2 submitters: Uncertain significance (1); Likely benign (1). Last evaluated 2026-05-29.

Conditions:
Developmental and epileptic encephalopathy, 8 (DEE8). Also called: HYPEREKPLEXIA AND EPILEPSY. Identifiers: Orphanet 163985, Orphanet 2076, MedGen C1845102, MONDO:0010375, OMIM 300607.

Allele frequency attached by ClinVar (database versions not stated): TOPMed 0.00001.

Submissions (2):

Women's Health and Genetics/Laboratory Corporation of America, LabCorp
Classification: Uncertain significance. Last evaluated: 2026-05-29. Review status: criteria provided, single submitter. Criteria: LabCorp Variant Classification Summary - May 2015. Collection method: clinical testing. Allele origin: germline.
Comment: Variant summary: ARHGEF9 c.422G>A (p.Ser141Asn) results in a conservative amino acid change in the encoded protein sequence. Algorithms developed to predict the effect of missense changes on protein structure and function are either unavailable or do not agree on the potential impact of this missense change. The variant was absent in 182652 control chromosomes. The available data on variant occurrences in the general population are insufficient to allow any conclusion about variant significance. To our knowledge, no occurrence of c.422G>A in individuals affected with ARHGEF9-related conditions and no experimental evidence demonstrating its impact on protein function have been reported. ClinVar contains an entry for this variant (Variation ID: 2014815). Based on the evidence outlined above, the variant was classified as uncertain significance.

Labcorp Genetics (formerly Invitae), Labcorp
Classification: Likely benign for Developmental and epileptic encephalopathy, 8. Last evaluated: 2024-10-17. Review status: criteria provided, single submitter. Criteria: Invitae Variant Classification Sherloc (09022015). Collection method: clinical testing. Allele origin: germline.